The following is an entry in ClinVar:

ClinVar aggregate classification (germline): Uncertain significance (1 of 4 stars; one submission).

Allele frequency attached by ClinVar (database versions not stated): ExAC 0.00001.
gnomAD v4.1: 4 of 1,614,012 alleles (0.00025%); highest among the groups gnomAD compares: Non-Finnish European, 0.00034%; no homozygotes.

Submission:

Labcorp Genetics (formerly Invitae), Labcorp
Classification: Uncertain significance. Last evaluated: 2022-10-04. Review status: criteria provided, single submitter. Criteria: Invitae Variant Classification Sherloc (09022015). Collection method: clinical testing. Allele origin: germline.
Comment: In summary, the available evidence is currently insufficient to determine the role of this variant in disease. Therefore, it has been classified as a Variant of Uncertain Significance. Advanced modeling of protein sequence and biophysical properties (such as structural, functional, and spatial information, amino acid conservation, physicochemical variation, residue mobility, and thermodynamic stability) performed at Invitae indicates that this missense variant is expected to disrupt P3H2 protein function. This variant has not been reported in the literature in individuals affected with P3H2-related conditions. This variant is present in population databases (rs774186462, gnomAD 0.0009%). This sequence change replaces glycine, which is neutral and non-polar, with arginine, which is basic and polar, at codon 296 of the P3H2 protein (p.Gly296Arg).

NM_018192.4(P3H2):c.886G>C (p.Gly296Arg)

Gene: P3H2 (prolyl 3-hydroxylase 2; minus strand). Cytogenetic location: 3q28.
Variant type: single nucleotide variant.
Coding change: c.886G>C on transcript NM_018192.4 (MANE Select); coding-DNA position 886, G replaced by C.
Protein change: p.Gly296Arg; replaces glycine 296 with arginine.
Molecular consequence: missense variant.
Genome position (GRCh38, 1-based): chr3:189,988,976, C>G on the plus strand (G>C on the coding strand, the complement: P3H2 is on the minus strand). VCF-style: chr3-189988976-C-G. GRCh37 (hg19) VCF-style: chr3-189706765-C-G.
Other names: c.343G>C, p.Gly115Arg (NM_001134418.2); short protein forms G296R, G115R.
Identifiers: ClinVar variation 1975794 (VCV001975794.5), dbSNP rs774186462, ClinGen allele CA2753186.